The following is an entry in ClinVar:

ClinVar aggregate classification (germline): Conflicting classifications of pathogenicity. Review status: criteria provided, conflicting classifications (1 of 4 stars). 2 submissions from 2 submitters: Uncertain significance (1); Likely benign (1). Last evaluated 2024-02-07.

Conditions:
Cardiovascular phenotype. Identifiers: MedGen CN230736.
Hypertrophic cardiomyopathy 14. Identifiers: MedGen C2750467, MONDO:0013197, OMIM 613251.

Allele frequency attached by ClinVar (database versions not stated): gnomAD 0.00001; TOPMed 0.00001.
gnomAD v4.1: 2 of 1,614,082 alleles (0.00012%); highest among the groups gnomAD compares: African/African-American, 0.0027%; no homozygotes.

Submissions (2):

Labcorp Genetics (formerly Invitae), Labcorp
Classification: Likely benign for Hypertrophic cardiomyopathy 14. Last evaluated: 2024-02-07. Review status: criteria provided, single submitter. Criteria: Invitae Variant Classification Sherloc (09022015). Collection method: clinical testing. Allele origin: germline.

Ambry Genetics
Classification: Uncertain significance for Cardiovascular phenotype. Last evaluated: 2023-11-13. Review status: criteria provided, single submitter. Criteria: Ambry Variant Classification Scheme 2023. Collection method: clinical testing. Allele origin: germline.
Comment: The c.3099G>A variant (also known as p.V1033V), located in coding exon 21 of the MYH6 gene, results from a G to A substitution at nucleotide position 3099. This nucleotide substitution does not change the valine at codon 1033. This nucleotide position is highly conserved in available vertebrate species. In silico splice site analysis predicts that this alteration will result in the creation or strengthening of a novel splice donor site. Since supporting evidence is limited at this time, the clinical significance of this alteration remains unclear.

NM_002471.4(MYH6):c.3099G>A (p.Val1033=)

Gene: MYH6 (myosin heavy chain 6; minus strand). Cytogenetic location: 14q11.2.
Variant type: single nucleotide variant.
Coding change: c.3099G>A on transcript NM_002471.4 (MANE Select); coding-DNA position 3099, G replaced by A.
Protein change: p.Val1033=; no amino-acid change (valine 1033 retained).
Molecular consequence: synonymous variant.
Genome position (GRCh38, 1-based): chr14:23,393,348, C>T on the plus strand (G>A on the coding strand, the complement: MYH6 is on the minus strand). VCF-style: chr14-23393348-C-T. GRCh37 (hg19) VCF-style: chr14-23862557-C-T.
Other names: c.3099G>A (NM_002471.3).
Identifiers: ClinVar variation 1123081 (VCV001123081.10), dbSNP rs949717573, ClinGen allele CA257786669.